The following is an entry in ClinVar:

NM_020549.5(CHAT):c.221C>T (p.Thr74Ile)

Gene: CHAT (choline O-acetyltransferase; plus strand). Cytogenetic location: 10q11.23.
Variant type: single nucleotide variant.
Coding change: c.221C>T on transcript NM_020549.5 (MANE Select); coding-DNA position 221, C replaced by T.
Protein change: p.Thr74Ile; replaces threonine 74 with isoleucine.
Molecular consequence: missense variant. On other transcripts: 5 prime UTR variant (4), intron variant (2).
Genome position (GRCh38, 1-based): chr10:49,614,410, C>T. VCF-style: chr10-49614410-C-T. GRCh37 (hg19) VCF-style: chr10-50822456-C-T.
Other names: c.-134C>T (NM_001142929.2, NM_020985.4); c.-96C>T (NM_001142933.2); c.-204C>T (NM_001142934.2); c.-68-2092C>T (NM_020984.4); c.-69+1208C>T (NM_020986.4); short protein forms T74I.
Identifiers: ClinVar variation 960118 (VCV000960118.7), dbSNP rs1268273103, ClinGen allele CA376725356.

ClinVar aggregate classification (germline): Uncertain significance (1 of 4 stars; one submission).

Conditions:
Familial infantile myasthenia (CMS6). Also called: MYASTHENIC SYNDROME, CONGENITAL, 6, PRESYNAPTIC; MYASTHENIC SYNDROME, PRESYNAPTIC, CONGENITAL, ASSOCIATED WITH EPISODIC APNEA; Congenital myasthenic syndrome type 6. Identifiers: Orphanet 590, MedGen C0393929, MONDO:0009689, OMIM 254210.

Allele frequency attached by ClinVar (database versions not stated): gnomAD exomes 0.00001.
gnomAD v4.1: 6 of 1,547,154 alleles (0.00039%); highest among the groups gnomAD compares: Admixed American, 0.002%; no homozygotes.

Submission:

Labcorp Genetics (formerly Invitae), Labcorp
Classification: Uncertain significance for Familial infantile myasthenia. Last evaluated: 2022-01-14. Review status: criteria provided, single submitter. Criteria: Invitae Variant Classification Sherloc (09022015). Collection method: clinical testing. Allele origin: germline.
Comment: This sequence change replaces threonine, which is neutral and polar, with isoleucine, which is neutral and non-polar, at codon 74 of the CHAT protein (p.Thr74Ile). This variant is present in population databases (no rsID available, gnomAD 0.004%). This variant has not been reported in the literature in individuals affected with CHAT-related conditions. ClinVar contains an entry for this variant (Variation ID: 960118). Advanced modeling of protein sequence and biophysical properties (such as structural, functional, and spatial information, amino acid conservation, physicochemical variation, residue mobility, and thermodynamic stability) performed at Invitae indicates that this missense variant is not expected to disrupt CHAT protein function. In summary, the available evidence is currently insufficient to determine the role of this variant in disease. Therefore, it has been classified as a Variant of Uncertain Significance.